The following is an entry in ClinVar:

NM_006618.5(KDM5B):c.767T>G (p.Leu256Arg)

Gene: KDM5B (lysine demethylase 5B; minus strand). Cytogenetic location: 1q32.1.
Variant type: single nucleotide variant.
Coding change: c.767T>G on transcript NM_006618.5 (MANE Select); coding-DNA position 767, T replaced by G.
Protein change: p.Leu256Arg; replaces leucine 256 with arginine.
Molecular consequence: missense variant.
Genome position (GRCh38, 1-based): chr1:202,764,090, A>C on the plus strand (T>G on the coding strand, the complement: KDM5B is on the minus strand). VCF-style: chr1-202764090-A-C. GRCh37 (hg19) VCF-style: chr1-202733218-A-C.
Other names: c.875T>G, p.Leu292Arg (NM_001314042.2); c.632T>G, p.Leu211Arg (NM_001347591.2); c.752T>G, p.Leu251Arg (NM_001399817.1); short protein forms L211R, L251R, L256R, L292R.
Identifiers: ClinVar variation 4531374 (VCV004531374.1).

ClinVar aggregate classification (germline): Uncertain significance (1 of 4 stars; one submission).

Conditions:
Neurodevelopmental disorder. Identifiers: MedGen C1535926, MeSH D065886, MONDO:0700092.

Submission:

Victorian Clinical Genetics Services, Murdoch Childrens Research Institute
Classification: Uncertain significance for Neurodevelopmental disorder. Last evaluated: 2025-03-12. Review status: criteria provided, single submitter. Criteria: ACMG Guidelines, 2015. Collection method: clinical testing. Allele origin: germline. Affected: yes.
Comment: This variant is classified as VUS-3A. Evidence in support of pathogenic classification: Variant is absent from gnomAD (v2, v3 and v4); Missense variant predicted to be damaging by in silico tool(s) or highly conserved with a major amino acid change. Additional information: Variant is predicted to result in a missense amino acid change from leucine to arginine; This variant is heterozygous; This gene is associated with both recessive and dominant disease. Biallelic pathogenic variants are associated with a more severe, syndromic intellectual disability (PMID: 29276005; DECIPHER). Individuals with heterozygous variants have also been reported with developmental delay, intellectual disability, and/or autistic features (PMID: 29276005, 30217758, 30409806); Alternative amino acid change(s) at the same position are present in gnomAD (Highest allele count: v4: 1 heterozygote(s), 0 homozygote(s)); This variant has no previous evidence of pathogenicity; No published segregation evidence has been identified for this variant; No published functional evidence has been identified for this variant; No comparable missense variants have previous evidence for pathogenicity; Variant is not located in an established domain, motif, hotspot or informative constraint region; Loss of function is a known mechanism of disease in this gene and is associated with autosomal recessive intellectual disability 65 (MIM#618109) and autosomal dominant neurodevelopmental disorder (MONDO:0700092), KDM5B-related; The condition associated with this gene has incomplete penetrance. While the recessive condition is fully penetrant, incomplete penetrance has been suggested for the autosomal dominant condition, where unaffected carriers of loss of function variants have been reported (PMID: 30217758, 30409806); Variants in this gene are known to have variable expressivity (PMID: 39202393).

Literature cited by the submitters: PubMed 30409806; PubMed 29276005; PubMed 30217758; PubMed 39202393.